The following is an entry in ClinVar:

ClinVar aggregate classification (germline): Likely benign (1 of 4 stars; one submission).

Allele frequency attached by ClinVar (database versions not stated): 1000 Genomes Project 0.00060; 1000 Genomes Project 30x 0.00062; ESP Exome Variant Server 0.00197; TOPMed 0.00200; ExAC 0.00212; gnomAD exomes 0.00285; gnomAD 0.00306.
gnomAD v4.1: 4,432 of 1,549,406 alleles (0.29%); highest among the groups gnomAD compares: Non-Finnish European, 0.29%; 24 homozygotes.

Submission:

CeGaT Center for Human Genetics Tuebingen
Classification: Likely benign. Last evaluated: 2023-01-01. Review status: criteria provided, single submitter. Criteria: CeGaT Center For Human Genetics Tuebingen Variant Classification Criteria Version 2. Collection method: clinical testing. Allele origin: germline. Affected: yes. Observed: 1 variant allele.
Comment: PWWP2A: BP4, BP7

NM_001130864.2(PWWP2A):c.2232C>T (p.Pro744=)

Gene: PWWP2A (PWWP domain containing 2A; minus strand). Cytogenetic location: 5q33.3.
Variant type: single nucleotide variant.
Coding change: c.2232C>T on transcript NM_001130864.2 (MANE Select); coding-DNA position 2232, C replaced by T.
Protein change: p.Pro744=; no amino-acid change (proline 744 retained).
Molecular consequence: synonymous variant. On other transcripts: intron variant (5).
Genome position (GRCh38, 1-based): chr5:160,092,418, G>A on the plus strand (C>T on the coding strand, the complement: PWWP2A is on the minus strand). VCF-style: chr5-160092418-G-A. GRCh37 (hg19) VCF-style: chr5-159519425-G-A.
Other names: c.1581C>T, p.Pro527= (NM_001349732.2); c.1549+683C>T (NM_001267035.3, NM_052927.4); c.898+683C>T (NM_001349735.2, NM_001349733.2, NM_001349734.2).
Identifiers: ClinVar variation 2656009 (VCV002656009.24), dbSNP rs185682695, ClinGen allele CA3539465.